The following is an entry in ClinVar:

NM_006060.6(IKZF1):c.936C>T (p.Asp312=)

Gene: IKZF1 (IKAROS family zinc finger 1; plus strand). Cytogenetic location: 7p12.2.
Variant type: single nucleotide variant.
Coding change: c.936C>T on transcript NM_006060.6 (MANE Select); coding-DNA position 936, C replaced by T.
Protein change: p.Asp312=; no amino-acid change (aspartic acid 312 retained).
Molecular consequence: synonymous variant.
Genome position (GRCh38, 1-based): chr7:50,400,003, C>T. VCF-style: chr7-50400003-C-T. GRCh37 (hg19) VCF-style: chr7-50467701-C-T.
Other names: c.810C>T, p.Asp270= (NM_001220765.3, NM_001291837.2); c.645C>T, p.Asp215= (NM_001220767.2); c.675C>T, p.Asp225= (NM_001220768.2, NM_001291838.2); c.519C>T, p.Asp173= (NM_001220770.2); c.507C>T, p.Asp169= (NM_001220771.2, NM_001291841.1); c.549C>T, p.Asp183= (NM_001291839.2); c.246C>T, p.Asp82= (NM_001291840.1); c.477C>T, p.Asp159= (NM_001291842.1); and 3 more.
Identifiers: ClinVar variation 2027945 (VCV002027945.4), dbSNP rs1229141176, ClinGen allele CA455161020.
Genomic context (GRCh38, chr7:50,400,003, plus strand): 5'-CTACGACAGCAGCGCCAGCTACGAGAAGGAGAACGAAATGATGAAGTCCCACGTGATGGA[C>T]CAAGCCATCAACAACGCCATCAACTACCTGGGGGCCGAGTCCCTGCGCCCGCTGGTGCAG-3'
Protein context (NP_006051.1, residues 302-322): ENEMMKSHVM[Asp312=]QAINNAINYL

ClinVar aggregate classification (germline): Uncertain significance (1 of 4 stars; one submission).

Submission:

Labcorp Genetics (formerly Invitae), Labcorp
Classification: Uncertain significance. Last evaluated: 2022-08-30. Review status: criteria provided, single submitter. Criteria: Invitae Variant Classification Sherloc (09022015). Collection method: clinical testing. Allele origin: germline.
Comment: Experimental studies and prediction algorithms are not available or were not evaluated, and the effect of this variant on mRNA splicing is currently unknown. In summary, the available evidence is currently insufficient to determine the role of this variant in disease. Therefore, it has been classified as a Variant of Uncertain Significance. This variant has not been reported in the literature in individuals affected with IKZF1-related conditions. This variant is not present in population databases (gnomAD no frequency). This sequence change affects codon 312 of the IKZF1 mRNA. It is a 'silent' change, meaning that it does not change the encoded amino acid sequence of the IKZF1 protein.